The following is an entry in ClinVar:

ClinVar aggregate classification (germline): Pathogenic (1 of 4 stars; one submission).

Submission:

Labcorp Genetics (formerly Invitae), Labcorp
Classification: Pathogenic. Last evaluated: 2023-03-17. Review status: criteria provided, single submitter. Criteria: Invitae Variant Classification Sherloc (09022015). Collection method: clinical testing. Allele origin: germline.
Comment: This variant has not been reported in the literature in individuals affected with LRP2-related conditions. For these reasons, this variant has been classified as Pathogenic. This variant is not present in population databases (gnomAD no frequency). This sequence change creates a premature translational stop signal (p.Tyr580Thrfs*5) in the LRP2 gene. It is expected to result in an absent or disrupted protein product. Loss-of-function variants in LRP2 are known to be pathogenic (PMID: 17632512, 25682901).

Literature cited by the submitters: PubMed 17632512; PubMed 25682901.

NM_004525.3(LRP2):c.1738del (p.Tyr580fs)

Gene: LRP2 (LDL receptor related protein 2; minus strand). Cytogenetic location: 2q31.1.
Variant type: Deletion.
Coding change: c.1738del on transcript NM_004525.3 (MANE Select); coding-DNA position 1738, one base deleted (T; older notation c.1738delT).
Protein change: p.Tyr580fs; shifts the reading frame from tyrosine 580.
Molecular consequence: frameshift variant.
Genome position (GRCh38, 1-based): chr2:169,277,779, A deleted on the plus strand (T on the coding strand, the reverse complement: LRP2 is on the minus strand); the first of 2 consecutive A bases (chr2:169,277,779-169,277,780); deleting either gives the same sequence. VCF-style (leftmost placement, unchanged base first): chr2-169277778-TA-T. GRCh37 (hg19) VCF-style: chr2-170134288-TA-T.
Other names: short protein forms Y580fs.
Identifiers: ClinVar variation 2844322 (VCV002844322.3), dbSNP rs2528508198, ClinGen allele CA2739271592.